The following is an entry in ClinVar:

NM_002485.5(NBN):c.1609A>G (p.Ser537Gly)

Gene: NBN (nibrin; minus strand). Cytogenetic location: 8q21.3.
Variant type: single nucleotide variant.
Coding change: c.1609A>G on transcript NM_002485.5 (MANE Select); coding-DNA position 1609, A replaced by G.
Protein change: p.Ser537Gly; replaces serine 537 with glycine.
Molecular consequence: missense variant.
Genome position (GRCh38, 1-based): chr8:89,953,480, T>C on the plus strand (A>G on the coding strand, the complement: NBN is on the minus strand). VCF-style: chr8-89953480-T-C. GRCh37 (hg19) VCF-style: chr8-90965708-T-C.
Other names: c.1363A>G, p.Ser455Gly (NM_001024688.3); short protein forms S455G, S537G.
Identifiers: ClinVar variation 1020702 (VCV001020702.8), dbSNP rs1810545673, ClinGen allele CA371655490.

ClinVar aggregate classification (germline): Uncertain significance (1 of 4 stars; one submission).

Conditions:
Microcephaly, normal intelligence and immunodeficiency (NBS). Also called: BERLIN BREAKAGE SYNDROME; Immunodeficiency, microcephaly with normal intelligence; Nijmegen breakage syndrome; Microcephaly with normal intelligence immunodeficiency and lymphoreticular malignancies; Nonsyndromal microcephaly autosomal recessive with normal intelligence; Seemanova syndrome 2. Identifiers: Orphanet 647, MedGen C0398791, MONDO:0009623, OMIM 251260.

Submission:

Labcorp Genetics (formerly Invitae), Labcorp
Classification: Uncertain significance for Microcephaly, normal intelligence and immunodeficiency. Last evaluated: 2020-10-14. Review status: criteria provided, single submitter. Criteria: Invitae Variant Classification Sherloc (09022015). Collection method: clinical testing. Allele origin: germline.
Comment: This variant is not present in population databases (ExAC no frequency). This variant has not been reported in the literature in individuals with NBN-related conditions. This sequence change replaces serine with glycine at codon 537 of the NBN protein (p.Ser537Gly). The serine residue is weakly conserved and there is a small physicochemical difference between serine and glycine. Algorithms developed to predict the effect of missense changes on protein structure and function output the following: SIFT: "Tolerated"; PolyPhen-2: "Benign"; Align-GVGD: "Class C0". The glycine amino acid residue is found in multiple mammalian species, suggesting that this missense change does not adversely affect protein function. These predictions have not been confirmed by published functional studies and their clinical significance is uncertain. Algorithms developed to predict the effect of sequence changes on RNA splicing suggest that this variant may create or strengthen a splice site, but this prediction has not been confirmed by published transcriptional studies. In summary, the available evidence is currently insufficient to determine the role of this variant in disease. Therefore, it has been classified as a Variant of Uncertain Significance.